The following is an entry in ClinVar:

NM_014956.5(CEP164):c.3853C>T (p.Leu1285Phe)

Gene: CEP164 (centrosomal protein 164; plus strand). Cytogenetic location: 11q23.3.
Variant type: single nucleotide variant.
Coding change: c.3853C>T on transcript NM_014956.5 (MANE Select); coding-DNA position 3853, C replaced by T.
Protein change: p.Leu1285Phe; replaces leucine 1285 with phenylalanine.
Molecular consequence: missense variant.
Genome position (GRCh38, 1-based): chr11:117,409,722, C>T. VCF-style: chr11-117409722-C-T. GRCh37 (hg19) VCF-style: chr11-117280438-C-T.
Other names: c.3838C>T, p.Leu1280Phe (NM_001271933.2); c.3859C>T, p.Leu1287Phe (NM_001440949.1); c.3853C>T, p.Leu1285Phe (NM_001440950.1, NM_001440951.1); c.3844C>T, p.Leu1282Phe (NM_001440952.1); c.3829C>T, p.Leu1277Phe (NM_001440953.1); c.3775C>T, p.Leu1259Phe (NM_001440954.1, NM_001440955.1); c.3766C>T, p.Leu1256Phe (NM_001440956.1); c.3763C>T, p.Leu1255Phe (NM_001440957.1); and 21 more; short protein forms L1202F, L1227F, L1229F, L1230F, L1236F, L1251F, L1255F, L1259F.
Identifiers: ClinVar variation 4989780 (VCV004989780.1).

ClinVar aggregate classification (germline): Uncertain significance (1 of 4 stars; one submission).

Conditions:
CEP164-related disorder. Also called: CEP164-related condition.

Submission:

PreventionGenetics, part of Exact Sciences
Classification: Uncertain significance for CEP164-related condition. Last evaluated: 2025-11-24. Review status: criteria provided, single submitter. Criteria: ACMG Guidelines, 2015. Collection method: clinical testing. Allele origin: germline.
Comment: The CEP164 c.3853C>T variant is predicted to result in the amino acid substitution p.Leu1285Phe. To our knowledge, this variant has not been reported in the literature or in a large population database (gnomAD), indicating this variant is rare. At this time, the clinical significance of this variant is uncertain due to the absence of conclusive functional and genetic evidence.